The following is an entry in ClinVar:

ClinVar aggregate classification (germline): Likely benign (1 of 4 stars; one submission).

Conditions:
Bethlem myopathy 2 (BTHLM2). Identifiers: Orphanet 536516, Orphanet 610, MedGen C4225313, MONDO:0034022, OMIM 616471.

Submission:

Victorian Clinical Genetics Services, Murdoch Childrens Research Institute
Classification: Likely benign for Bethlem myopathy 2. Last evaluated: 2022-09-02. Review status: criteria provided, single submitter. Criteria: ACMG Guidelines, 2015. Collection method: clinical testing. Allele origin: germline. Inheritance: Autosomal dominant inheritance. Affected: yes.
Comment: Based on the classification scheme VCGS_Germline_v1.3.4, this variant is classified as Likely Benign. Following criteria are met: 0103 - Dominant negative and loss of function are known mechanisms of disease in this gene and are associated with myopathic Ehlers–Danlos syndrome (EDS). Glycine substitutions exert a dominant negative effect while null variants act through loss-of-function (PMID: 24334769). (I) 0107 - This gene is associated with autosomal dominant disease. (I) 0200 - Variant is predicted to result in a missense amino acid change from proline to leucine. (I) 0251 - This variant is heterozygous. (I) 0301 - Variant is absent from gnomAD (both v2 and v3). (SP) 0502 - Missense variant with conflicting in silico predictions and uninformative conservation. (I) 0600 - Variant is located in the annotated Fibronectin type III domain (NCBI, DECIPHER, Uniprot). (I) 0705 - No comparable missense variants have previous evidence for pathogenicity. (I) 0807 - This variant has no previous evidence of pathogenicity. (I) 0904 - Non-segregation of this variant with the phenotype under investigation has been clearly demonstrated. (SB) 1007 - No published functional evidence has been identified for this variant. (I) Legend: (SP) - Supporting pathogenic, (I) - Information, (SB) - Supporting benign

Literature cited by the submitters: PubMed 24334769.

NM_004370.6(COL12A1):c.1109C>T (p.Pro370Leu)

Gene: COL12A1 (collagen type XII alpha 1 chain; minus strand). Cytogenetic location: 6q13.
Variant type: single nucleotide variant.
Coding change: c.1109C>T on transcript NM_004370.6 (MANE Select); coding-DNA position 1109, C replaced by T.
Protein change: p.Pro370Leu; replaces proline 370 with leucine.
Molecular consequence: missense variant. On other transcripts: intron variant (1).
Genome position (GRCh38, 1-based): chr6:75,184,033, G>A on the plus strand (C>T on the coding strand, the complement: COL12A1 is on the minus strand). VCF-style: chr6-75184033-G-A. GRCh37 (hg19) VCF-style: chr6-75893749-G-A.
Other names: c.73+18687C>T (NM_080645.3); short protein forms P370L.
Identifiers: ClinVar variation 1804951 (VCV001804951.1), dbSNP rs2149467365, ClinGen allele CA364773609.
Genomic context (GRCh38, chr6:75,184,033, plus strand): 5'-CTGAGCGTGGTTGTCTGAGGCCCCACACTCAGAGCGTGCTGTCGGCTTCCTGCAGTCATT[G>A]GTGTGAGGATGACTTTGTAGCCAGTCACTGGACTAGGAGATGGATTCCAATTTAGCTTAA-3'
Protein context (NP_004361.3, residues 360-380): PVTGYKVILT[Pro370Leu]MTAGSRQHAL